The following is an entry in ClinVar:

NM_000540.3(RYR1):c.8156A>T (p.Tyr2719Phe)

Gene: RYR1 (ryanodine receptor 1; plus strand). Cytogenetic location: 19q13.2.
Variant type: single nucleotide variant.
Coding change: c.8156A>T on transcript NM_000540.3 (MANE Select); coding-DNA position 8156, A replaced by T.
Protein change: p.Tyr2719Phe; replaces tyrosine 2719 with phenylalanine.
Molecular consequence: missense variant.
Genome position (GRCh38, 1-based): chr19:38,504,836, A>T. VCF-style: chr19-38504836-A-T. GRCh37 (hg19) VCF-style: chr19-38995476-A-T.
Other names: c.8156A>T, p.Tyr2719Phe (NM_001042723.2); short protein forms Y2719F.
Identifiers: ClinVar variation 505311 (VCV000505311.7), dbSNP rs1555785252, ClinGen allele CA405676783.

ClinVar aggregate classification (germline): Uncertain significance. Review status: criteria provided, multiple submitters, no conflicts (2 of 4 stars). 2 submissions from 2 submitters: Uncertain significance (2). Last evaluated 2022-04-03.

Conditions:
RYR1-related disorder. Also called: RYR1-related condition; RYR1-related disorders. Identifiers: MedGen CN239331.

Allele frequency attached by ClinVar (database versions not stated): gnomAD exomes below 0.00001.
gnomAD v4.1: 2 of 1,613,988 alleles (0.00012%); highest among the groups gnomAD compares: Middle Eastern, 0.016%; no homozygotes.

Submissions (2):

Labcorp Genetics (formerly Invitae), Labcorp
Classification: Uncertain significance for RYR1-related disorder. Last evaluated: 2022-04-03. Review status: criteria provided, single submitter. Criteria: Invitae Variant Classification Sherloc (09022015). Collection method: clinical testing. Allele origin: germline.
Comment: This sequence change replaces tyrosine, which is neutral and polar, with phenylalanine, which is neutral and non-polar, at codon 2719 of the RYR1 protein (p.Tyr2719Phe). This variant is not present in population databases (gnomAD no frequency). This variant has not been reported in the literature in individuals affected with RYR1-related conditions. ClinVar contains an entry for this variant (Variation ID: 505311). Advanced modeling of protein sequence and biophysical properties (such as structural, functional, and spatial information, amino acid conservation, physicochemical variation, residue mobility, and thermodynamic stability) performed at Invitae indicates that this missense variant is not expected to disrupt RYR1 protein function. In summary, the available evidence is currently insufficient to determine the role of this variant in disease. Therefore, it has been classified as a Variant of Uncertain Significance.

Laboratory for Molecular Medicine, Mass General Brigham Personalized Medicine
Classification: Uncertain significance. Last evaluated: 2016-08-22. Review status: criteria provided, single submitter. Criteria: LMM Criteria. Collection method: clinical testing. Allele origin: germline. Observed: 1 variant allele.
Comment: The p.Tyr2719Phe variant in RYR1 has not been previously reported in individuals with myopathy and was absent from large population studies. Computational predi ction tools and conservation analysis do not provide strong support for or again st an impact to the protein. In summary, the clinical significance of the p.Tyr2 719Phe variant is uncertain.